The following is an entry in ClinVar:

NM_001034853.2(RPGR):c.3394_3395del (p.Asn1132fs)

Gene: RPGR (retinitis pigmentosa GTPase regulator; minus strand). Cytogenetic location: Xp11.4.
Variant type: Deletion.
Coding change: c.3394_3395del on transcript NM_001034853.2 (MANE Select); coding-DNA positions 3394 to 3395, 2 bases deleted (AA; older notation c.3394_3395delAA).
Protein change: p.Asn1132fs; shifts the reading frame from asparagine 1132.
Molecular consequence: frameshift variant. On other transcripts: intron variant (8).
Genome position (GRCh38, 1-based): chrX:38,285,604-38,285,605, TT deleted on the plus strand (AA on the coding strand, the reverse complement: RPGR is on the minus strand); deleting any 2 consecutive bases within chrX:38,285,604-38,285,609 gives the same sequence; the c. name uses the placement nearest the transcript's 3' end. VCF-style (leftmost placement, unchanged base first): chrX-38285603-GTT-G. GRCh37 (hg19) VCF-style: chrX-38144856-GTT-G.
Other names: NM_001034853.2:c.3394_3395del; c.3394_3395delAA (NM_001034853.1); c.1569+5354_1569+5355del (NM_001367249.1, NM_001367250.1); c.1902+1489_1902+1490del (NM_001367245.1); c.1386+5354_1386+5355del (NM_001367251.1); c.1719+1489_1719+1490del (NM_001367246.1); c.1572+5354_1572+5355del (NM_001367247.1); c.1905+1489_1905+1490del (NM_000328.3); and 1 more; short protein forms N1132fs.
Identifiers: ClinVar variation 4082178 (VCV004082178.2).
Genomic context (GRCh38, chrX:38,285,603, plus strand): 5'-CTTCAATTCCAAGTAATGTGGTAATACATTATTCCAGAACTTTTTGGAACCTGATGGCCC[GTT>G]TTTTAAAAGTCGTTTTGACTGGACTGGCATTTTGGACCTCTGCTCTTTCCCATTTCCCTG-3'

ClinVar aggregate classification (germline): Pathogenic. Review status: reviewed by expert panel (3 of 4 stars). 2 submissions from 2 submitters: Pathogenic (1). 1 of the submissions does not count toward it. Last evaluated 2025-09-05.

Conditions:
RPGR-related retinopathy. Also called: RPGR retinopathy. Identifiers: MedGen CN305589, MONDO:0100437.
Primary ciliary dyskinesia. Also called: Ciliary dyskinesia. Identifiers: Orphanet 244, MedGen C0008780, MONDO:0016575, HP:0012265.

Submissions (2):

ClinGen X-linked Inherited Retinal Disease Variant Curation Expert Panel, ClinGen
Classification: Pathogenic for RPGR-related retinopathy. Last evaluated: 2025-09-05. Review status: reviewed by expert panel. Criteria: ClinGen X LinkedIRD ACMG Specifications RPGR V1.0.0. Collection method: curation. Allele origin: germline. Inheritance: X-linked inheritance.
Comment: NM_001034853.2(RPGR):c.3394_3395del (p.Asn1132ArgfsTer11) is a frameshift variant due to 2-nucleotide deletion that introduces a premature stop codon in exon 15 of 15, which is predicted to disrupt a critical C-terminal region required for proper glutamylation of RPGR (PVS1, PMID: 36445968). This variant is absent from gnomAD v4.1.0 (PM2_Supporting). At least one proband harboring this variant exhibits a phenotype including cone dystrophy with macular atrophy (1 pt) with onset in the first decade (1 pt), electroretinogram recordings showing severely reduced cone amplitudes with normal rod amplitudes (1 pt), abnormal color vision (0.5 pts), decreased central visual acuity (0.5 pts), photophobia (1 pts), and family history consistent with X-linked inheritance (2 pts) with delayed or milder phenotype in female family members (1 pts), which together are highly specific for RPGR-related retinopathy (8 points, PMID: 16969763, PP4_Moderate). This variant has been reported in at least 1 proband meeting one of the PS4 requirements of a male harboring a truncating variant after c.2128 with a diagnosis of cone or cone-rod dystrophy, in addition to the apparently unrelated proband previously used for the PP4 code (PMIDs: 25283059, 16969763, PS4_Supporting). In summary, this variant is classified as pathogenic for RPGR-related retinopathy based on the ClinGen X-linked Inherited Retinal Disease Expert Panel Specifications to the ACMG/AMP Variant Interpretation Guidelines for RPGR Version 1.0.0; PVS1, PS4_supporting, PM2_supporting, and PP4_moderate.

Ambry Genetics
Classification: Likely pathogenic for Primary ciliary dyskinesia. Last evaluated: 2026-05-20. Review status: criteria provided, single submitter. Criteria: Ambry Variant Classification Scheme 2023. Collection method: clinical testing. Allele origin: germline. Not counted in ClinVar's aggregate classification.
Comment: The c.3394_3395delAA (p.N1132Rfs*11) alteration, located in exon 15 (coding exon 15) of the RPGR gene, consists of a deletion of 2 nucleotides from position 3394 to 3395, causing a translational frameshift with a predicted alternate stop codon after 11 amino acids. This variant is not expected to trigger nonsense-mediated mRNA decay and impacts the last 2% of the protein. However, premature stop codons are typically deleterious in nature, and the impacted region is critical for protein function (Ambry internal data). This variant was not reported in population-based cohorts in the Genome Aggregation Database (gnomAD). This variant was reported in individual(s) with features consistent with RPGR-related retinopathy (Cehajic-Kapetanovic, 2022; Pelletier, 2007). In multiple assays testing RPGR function, this variant showed functionally abnormal results (Cehajic-Kapetanovic, 2022). Based on the available evidence, this alteration is classified as likely pathogenic.

Literature cited by the submitters: PubMed 16969763 (cited by Ambry Genetics); PubMed 27162334 (cited by Ambry Genetics); PubMed 36445968 (cited by Ambry Genetics).